The following is an entry in ClinVar:

ClinVar aggregate classification (germline): Uncertain significance (0 of 4 stars; one submission).

Conditions:
SEMA3C-related disorder. Also called: SEMA3C-related condition.

Submission:

PreventionGenetics, part of Exact Sciences
Classification: Uncertain significance for SEMA3C-related condition. Last evaluated: 2024-04-04. Review status: no assertion criteria provided. Collection method: clinical testing. Allele origin: germline.
Comment: The SEMA3C c.983T>C variant is predicted to result in the amino acid substitution p.Leu328Pro. To our knowledge, this variant has not been reported in the literature or in a large population database, indicating this variant is rare. At this time, the clinical significance of this variant is uncertain due to the absence of conclusive functional and genetic evidence.

NM_006379.5(SEMA3C):c.929T>C (p.Leu310Pro)

Gene: SEMA3C (semaphorin 3C; minus strand). Cytogenetic location: 7q21.11.
Variant type: single nucleotide variant.
Coding change: c.929T>C on transcript NM_006379.5 (MANE Select); coding-DNA position 929, T replaced by C.
Protein change: p.Leu310Pro; replaces leucine 310 with proline.
Molecular consequence: missense variant.
Genome position (GRCh38, 1-based): chr7:80,800,814, A>G on the plus strand (T>C on the coding strand, the complement: SEMA3C is on the minus strand). VCF-style: chr7-80800814-A-G. GRCh37 (hg19) VCF-style: chr7-80430130-A-G.
Other names: c.983T>C, p.Leu328Pro (NM_001350120.2); c.755T>C, p.Leu252Pro (NM_001350121.2); short protein forms L252P, L310P, L328P.
Identifiers: ClinVar variation 3348899 (VCV003348899.1).